The following is an entry in ClinVar:

ClinVar aggregate classification (germline): Uncertain significance. Review status: criteria provided, multiple submitters, no conflicts (2 of 4 stars). 2 submissions from 2 submitters: Uncertain significance (2). Last evaluated 2026-04-06.

Conditions:
Inborn genetic diseases. Identifiers: MedGen C0950123, MeSH D030342.

Allele frequency attached by ClinVar (database versions not stated): ExAC 0.00001; TOPMed 0.00001; gnomAD exomes below 0.00001.
gnomAD v4.1: 3 of 1,614,068 alleles (0.00019%); highest among the groups gnomAD compares: Non-Finnish European, 0.00025%; no homozygotes.

Submissions (2):

Ambry Genetics
Classification: Uncertain significance for Inborn genetic diseases. Last evaluated: 2026-04-06. Review status: criteria provided, single submitter. Criteria: Ambry Variant Classification Scheme 2023. Collection method: clinical testing. Allele origin: germline.
Comment: The c.928G>C (p.A310P) alteration is located in exon 8 (coding exon 7) of the WFS1 gene. This alteration results from a G to C substitution at nucleotide position 928, causing the alanine (A) at amino acid position 310 to be replaced by a proline (P). Based on data from gnomAD, the C allele has an overall frequency of <0.001% (1/251450) total alleles studied. The highest observed frequency was 0.001% (1/113750) of European (non-Finnish) alleles. Based on insufficient or conflicting evidence, the clinical significance of this alteration remains unclear.

Labcorp Genetics (formerly Invitae), Labcorp
Classification: Uncertain significance. Last evaluated: 2024-04-25. Review status: criteria provided, single submitter. Criteria: Invitae Variant Classification Sherloc (09022015). Collection method: clinical testing. Allele origin: germline.
Comment: This sequence change replaces alanine, which is neutral and non-polar, with proline, which is neutral and non-polar, at codon 310 of the WFS1 protein (p.Ala310Pro). This variant is not present in population databases (gnomAD no frequency). This variant has not been reported in the literature in individuals affected with WFS1-related conditions. ClinVar contains an entry for this variant (Variation ID: 1358058). Advanced modeling of protein sequence and biophysical properties (such as structural, functional, and spatial information, amino acid conservation, physicochemical variation, residue mobility, and thermodynamic stability) has been performed at Invitae for this missense variant, however the output from this modeling did not meet the statistical confidence thresholds required to predict the impact of this variant on WFS1 protein function. In summary, the available evidence is currently insufficient to determine the role of this variant in disease. Therefore, it has been classified as a Variant of Uncertain Significance.

NM_006005.3(WFS1):c.928G>C (p.Ala310Pro)

Gene: WFS1 (wolframin ER transmembrane glycoprotein; plus strand). Cytogenetic location: 4p16.1.
Variant type: single nucleotide variant.
Coding change: c.928G>C on transcript NM_006005.3 (MANE Select); coding-DNA position 928, G replaced by C.
Protein change: p.Ala310Pro; replaces alanine 310 with proline.
Molecular consequence: missense variant.
Genome position (GRCh38, 1-based): chr4:6,300,723, G>C. VCF-style: chr4-6300723-G-C. GRCh37 (hg19) VCF-style: chr4-6302450-G-C.
Other names: c.928G>C, p.Ala310Pro (NM_001145853.1); short protein forms A310P.
Identifiers: ClinVar variation 1358058 (VCV001358058.9), dbSNP rs762204336, ClinGen allele CA2839158.